The following is an entry in ClinVar:

NM_000038.6(APC):c.8339G>A (p.Arg2780Lys)

Gene: APC (APC regulator of Wnt signaling pathway; plus strand). Cytogenetic location: 5q22.2.
Variant type: single nucleotide variant.
Coding change: c.8339G>A on transcript NM_000038.6 (MANE Select); coding-DNA position 8339, G replaced by A.
Protein change: p.Arg2780Lys; replaces arginine 2780 with lysine.
Molecular consequence: missense variant. On other transcripts: non-coding transcript variant (2).
Genome position (GRCh38, 1-based): chr5:112,843,933, G>A. VCF-style: chr5-112843933-G-A. GRCh37 (hg19) VCF-style: chr5-112179630-G-A.
Other names: c.8339G>A, p.Arg2780Lys (NM_001127510.3, NM_001354895.2, NM_001407450.1); c.8285G>A, p.Arg2762Lys (NM_001127511.3); c.8393G>A, p.Arg2798Lys (NM_001354896.2, NM_001407447.1, NM_001407448.1 and 1 more transcripts); c.8369G>A, p.Arg2790Lys (NM_001354897.2); c.8264G>A, p.Arg2755Lys (NM_001354898.2); c.8255G>A, p.Arg2752Lys (NM_001354899.2); c.8216G>A, p.Arg2739Lys (NM_001354900.2); c.8162G>A, p.Arg2721Lys (NM_001354901.2, NM_001407453.1); and 11 more; short protein forms R2497K, R2697K, R2808K, R2651K, R2679K, R2762K, R2790K, R2396K.
Identifiers: ClinVar variation 5025151 (VCV005025151.1).

ClinVar aggregate classification (germline): Uncertain significance (1 of 4 stars; one submission).

Conditions:
Hereditary cancer-predisposing syndrome. Also called: Neoplastic Syndromes, Hereditary; Tumor predisposition; Hereditary neoplastic syndrome; Hereditary Cancer Syndrome. Identifiers: Orphanet 140162, MedGen C0027672, MeSH D009386, MONDO:0015356.

Submission:

Ambry Genetics
Classification: Uncertain significance for Hereditary cancer-predisposing syndrome. Last evaluated: 2026-07-07. Review status: criteria provided, single submitter. Criteria: Ambry Variant Classification Scheme 2023. Collection method: clinical testing. Allele origin: germline.
Comment: The p.R2780K variant (also known as c.8339G>A), located in coding exon 15 of the APC gene, results from a G to A substitution at nucleotide position 8339. The arginine at codon 2780 is replaced by lysine, an amino acid with highly similar properties. This amino acid position is conserved. In addition, in silico predictors for this gene do not accurately predict pathogenicity. Based on the available evidence, the clinical significance of this variant remains unclear.